The following is an entry in ClinVar:

NM_006231.4(POLE):c.3367G>C (p.Asp1123His)

Gene: POLE (DNA polymerase epsilon, catalytic subunit; minus strand). Cytogenetic location: 12q24.33.
Variant type: single nucleotide variant.
Coding change: c.3367G>C on transcript NM_006231.4 (MANE Select); coding-DNA position 3367, G replaced by C.
Protein change: p.Asp1123His; replaces aspartic acid 1123 with histidine.
Molecular consequence: missense variant.
Genome position (GRCh38, 1-based): chr12:132,657,879, C>G on the plus strand (G>C on the coding strand, the complement: POLE is on the minus strand). VCF-style: chr12-132657879-C-G. GRCh37 (hg19) VCF-style: chr12-133234465-C-G.
Other names: short protein forms D1123H.
Identifiers: ClinVar variation 619719 (VCV000619719.12), dbSNP rs1565953965, ClinGen allele CA387389596.

ClinVar aggregate classification (germline): Uncertain significance. Review status: criteria provided, multiple submitters, no conflicts (2 of 4 stars). 3 submissions from 3 submitters: Uncertain significance (3). Last evaluated 2025-03-09.

Conditions:
Hereditary cancer-predisposing syndrome. Also called: Neoplastic Syndromes, Hereditary; Hereditary neoplastic syndrome; Tumor predisposition; Hereditary Cancer Syndrome. Identifiers: Orphanet 140162, MedGen C0027672, MeSH D009386, MONDO:0015356.

Submissions (3):

Labcorp Genetics (formerly Invitae), Labcorp
Classification: Uncertain significance. Last evaluated: 2025-03-09. Review status: criteria provided, single submitter. Criteria: Invitae Variant Classification Sherloc (09022015). Collection method: clinical testing. Allele origin: germline.
Comment: This sequence change replaces aspartic acid, which is acidic and polar, with histidine, which is basic and polar, at codon 1123 of the POLE protein (p.Asp1123His). This variant is not present in population databases (gnomAD no frequency). This variant has not been reported in the literature in individuals affected with POLE-related conditions. ClinVar contains an entry for this variant (Variation ID: 619719). Invitae Evidence Modeling of protein sequence and biophysical properties (such as structural, functional, and spatial information, amino acid conservation, physicochemical variation, residue mobility, and thermodynamic stability) indicates that this missense variant is expected to disrupt POLE protein function with a positive predictive value of 80%. In summary, the available evidence is currently insufficient to determine the role of this variant in disease. Therefore, it has been classified as a Variant of Uncertain Significance.

Ambry Genetics
Classification: Uncertain significance for Hereditary cancer-predisposing syndrome. Last evaluated: 2024-02-20. Review status: criteria provided, single submitter. Criteria: Ambry Variant Classification Scheme 2023. Collection method: clinical testing. Allele origin: germline.
Comment: The p.D1123H variant (also known as c.3367G>C), located in coding exon 27 of the POLE gene, results from a G to C substitution at nucleotide position 3367. The aspartic acid at codon 1123 is replaced by histidine, an amino acid with similar properties. This amino acid position is conserved. In addition, the in silico prediction for this alteration is inconclusive. Since supporting evidence is limited at this time, the clinical significance of this alteration remains unclear.

Quest Diagnostics Nichols Institute San Juan Capistrano
Classification: Uncertain significance. Last evaluated: 2018-03-13. Review status: criteria provided, single submitter. Criteria: Quest Diagnostics criteria. Collection method: clinical testing. Allele origin: germline.